The following is an entry in ClinVar:

NM_152617.4(RNF168):c.1072A>C (p.Thr358Pro)

Gene: RNF168 (ring finger protein 168; minus strand). Cytogenetic location: 3q29.
Variant type: single nucleotide variant.
Coding change: c.1072A>C on transcript NM_152617.4 (MANE Select); coding-DNA position 1072, A replaced by C.
Protein change: p.Thr358Pro; replaces threonine 358 with proline.
Molecular consequence: missense variant.
Genome position (GRCh38, 1-based): chr3:196,472,463, T>G on the plus strand (A>C on the coding strand, the complement: RNF168 is on the minus strand). VCF-style: chr3-196472463-T-G. GRCh37 (hg19) VCF-style: chr3-196199334-T-G.
Other names: short protein forms T358P.
Identifiers: ClinVar variation 1348350 (VCV001348350.8), dbSNP rs2108644062, ClinGen allele CA355617249.

ClinVar aggregate classification (germline): Uncertain significance (1 of 4 stars; one submission).

Allele frequency attached by ClinVar (database versions not stated): gnomAD exomes below 0.00001.
gnomAD v4.1: 1 of 1,614,144 alleles (0.000062%); highest among the groups gnomAD compares: Non-Finnish European, 0.000085%; no homozygotes.

Submission:

Labcorp Genetics (formerly Invitae), Labcorp
Classification: Uncertain significance. Last evaluated: 2021-03-07. Review status: criteria provided, single submitter. Criteria: Invitae Variant Classification Sherloc (09022015). Collection method: clinical testing. Allele origin: germline.
Comment: This variant is not present in population databases (ExAC no frequency). This variant has not been reported in the literature in individuals with RNF168-related conditions. Algorithms developed to predict the effect of missense changes on protein structure and function output the following: SIFT: "Tolerated"; PolyPhen-2: "Benign"; Align-GVGD: "Class C0". The proline amino acid residue is found in multiple mammalian species, suggesting that this missense change does not adversely affect protein function. These predictions have not been confirmed by published functional studies and their clinical significance is uncertain. In summary, the available evidence is currently insufficient to determine the role of this variant in disease. Therefore, it has been classified as a Variant of Uncertain Significance. This sequence change replaces threonine with proline at codon 358 of the RNF168 protein (p.Thr358Pro). The threonine residue is weakly conserved and there is a small physicochemical difference between threonine and proline.